The following is an entry in ClinVar:

NM_001447.3(FAT2):c.9646C>T (p.Pro3216Ser)

Genes: FAT2 (FAT atypical cadherin 2; minus strand), SLC36A1 (solute carrier family 36 member 1; plus strand). Cytogenetic location: 5q33.1.
Variant type: single nucleotide variant.
Coding change: c.9646C>T on transcript NM_001447.3 (MANE Select); coding-DNA position 9646, C replaced by T.
Protein change: p.Pro3216Ser; replaces proline 3216 with serine.
Molecular consequence: missense variant.
Genome position (GRCh38, 1-based): chr5:151,531,752, G>A on the plus strand (C>T on the coding strand, the complement: FAT2 is on the minus strand). VCF-style: chr5-151531752-G-A. GRCh37 (hg19) VCF-style: chr5-150911313-G-A.
Other names: short protein forms P3216S.
Identifiers: ClinVar variation 4773336 (VCV004773336.1).

ClinVar aggregate classification (germline): Uncertain significance (1 of 4 stars; one submission).

gnomAD v4.1: 1 of 1,613,386 alleles (0.000062%); highest among the groups gnomAD compares: Non-Finnish European, 0.000085%; no homozygotes.

Submission:

Labcorp Genetics (formerly Invitae), Labcorp
Classification: Uncertain significance. Last evaluated: 2025-10-09. Review status: criteria provided, single submitter. Criteria: Invitae Variant Classification Sherloc (09022015). Collection method: clinical testing. Allele origin: germline.
Comment: This sequence change replaces proline, which is neutral and non-polar, with serine, which is neutral and polar, at codon 3216 of the FAT2 protein (p.Pro3216Ser). This variant is not present in population databases (gnomAD no frequency). This variant has not been reported in the literature in individuals affected with FAT2-related conditions. Invitae Evidence Modeling of protein sequence and biophysical properties (such as structural, functional, and spatial information, amino acid conservation, physicochemical variation, residue mobility, and thermodynamic stability) indicates that this missense variant is expected to disrupt FAT2 protein function with a positive predictive value of 80%. In summary, the available evidence is currently insufficient to determine the role of this variant in disease. Therefore, it has been classified as a Variant of Uncertain Significance.